The following is an entry in ClinVar:

NM_024675.4(PALB2):c.787G>A (p.Glu263Lys)

Gene: PALB2 (partner and localizer of BRCA2; minus strand). Cytogenetic location: 16p12.2.
Variant type: single nucleotide variant.
Coding change: c.787G>A on transcript NM_024675.4 (MANE Select); coding-DNA position 787, G replaced by A.
Protein change: p.Glu263Lys; replaces glutamic acid 263 with lysine.
Molecular consequence: missense variant. On other transcripts: 5 prime UTR variant (8), intron variant (3).
Genome position (GRCh38, 1-based): chr16:23,635,759, C>T on the plus strand (G>A on the coding strand, the complement: PALB2 is on the minus strand). VCF-style: chr16-23635759-C-T. GRCh37 (hg19) VCF-style: chr16-23647080-C-T.
Other names: c.727G>A, p.Glu243Lys (NM_001407296.1); c.787G>A, p.Glu263Lys (NM_001407297.1, NM_001407298.1, NM_001407299.1 and 3 more transcripts); c.-99G>A (NM_001407304.1, NM_001407305.1, NM_001407306.1 and 5 more transcripts); c.48+5351G>A (NM_001407314.1); c.-104-5290G>A (NM_001407313.1, NM_001407312.1); short protein forms E243K, E263K.
Identifiers: ClinVar variation 3781299 (VCV003781299.2).

ClinVar aggregate classification (germline): Uncertain significance. Review status: criteria provided, multiple submitters, no conflicts (2 of 4 stars). 2 submissions from 2 submitters: Uncertain significance (2). Last evaluated 2025-04-23.

Conditions:
Familial cancer of breast. Also called: BREAST CANCER, FAMILIAL; hereditary breast carcinoma; Hereditary breast cancer. Identifiers: Orphanet 227535, MedGen C0346153, MONDO:0016419, OMIM 114480. Disease mechanism: loss of function.

Submissions (2):

Labcorp Genetics (formerly Invitae), Labcorp
Classification: Uncertain significance for Familial cancer of breast. Last evaluated: 2025-04-23. Review status: criteria provided, single submitter. Criteria: Invitae Variant Classification Sherloc (09022015). Collection method: clinical testing. Allele origin: germline.
Comment: This sequence change replaces glutamic acid, which is acidic and polar, with lysine, which is basic and polar, at codon 263 of the PALB2 protein (p.Glu263Lys). This variant is not present in population databases (gnomAD no frequency). This variant has not been reported in the literature in individuals affected with PALB2-related conditions. An algorithm developed to predict the effect of missense changes on protein structure and function (PolyPhen-2) suggests that this variant is likely to be disruptive. In summary, the available evidence is currently insufficient to determine the role of this variant in disease. Therefore, it has been classified as a Variant of Uncertain Significance.

GeneDx
Classification: Uncertain significance. Last evaluated: 2024-10-21. Review status: criteria provided, single submitter. Criteria: GeneDx Variant Classification Process June 2021. Collection method: clinical testing. Allele origin: germline. Affected: yes.
Comment: Not observed at significant frequency in large population cohorts (gnomAD); In silico analysis indicates that this missense variant does not alter protein structure/function; Has not been previously published as pathogenic or benign to our knowledge; This variant is associated with the following publications: (PMID: 19369211)